The following is an entry in ClinVar:

NM_001206744.2(TPO):c.*51G>A

Genes: LALTOP (lung cancer associated lncRNA targeting TOP2A; minus strand), TPO (thyroid peroxidase; plus strand). Cytogenetic location: 2p25.3.
Variant type: single nucleotide variant.
Coding change: c.*51G>A on transcript NM_001206744.2 (MANE Select); 51 bases downstream of the stop codon, G replaced by A.
Molecular consequence: 3 prime UTR variant. On other transcripts: non-coding transcript variant (1).
Genome position (GRCh38, 1-based): chr2:1,542,525, G>A. VCF-style: chr2-1542525-G-A. GRCh37 (hg19) VCF-style: chr2-1546297-G-A.
Other names: c.*51G>A (NM_000547.6, NM_001206745.2, NM_175719.4 and 2 more transcripts).
Identifiers: ClinVar variation 4526248 (VCV004526248.1).

ClinVar aggregate classification (germline): Uncertain significance (1 of 4 stars; one submission).

gnomAD v4.1: 100 of 1,611,338 alleles (0.0062%); highest among the groups gnomAD compares: Middle Eastern, 0.066%; no homozygotes.

Submission:

Women's Health and Genetics/Laboratory Corporation of America, LabCorp
Classification: Uncertain significance. Last evaluated: 2025-07-23. Review status: criteria provided, single submitter. Criteria: LabCorp Variant Classification Summary - May 2015. Collection method: clinical testing. Allele origin: germline.
Comment: Variant summary: TPO c.*51G>A is located in the untranslated mRNA region downstream of the termination codon. The variant allele was found at a frequency of 7.3e-05 in 245126 control chromosomes. This frequency is not significantly higher than estimated for a pathogenic variant in TPO causing Deficiency Of Iodide Peroxidase (7.3e-05 vs 0.0071), allowing no conclusion about variant significance. To our knowledge, no occurrence of c.*51G>A in individuals affected with Deficiency Of Iodide Peroxidase and no experimental evidence demonstrating its impact on protein function have been reported. No submitters have cited clinical-significance assessments for this variant to ClinVar. Based on the evidence outlined above, the variant was classified as uncertain significance.